The following is an entry in ClinVar:

ClinVar aggregate classification (germline): Uncertain significance (1 of 4 stars; one submission).

Submission:

Ambry Genetics
Classification: Uncertain significance. Last evaluated: 2023-05-03. Review status: criteria provided, single submitter. Criteria: Ambry Variant Classification Scheme 2023. Collection method: clinical testing. Allele origin: germline.
Comment: The p.L843R variant (also known as c.2528T>G), located in coding exon 23 of the KIF1B gene, results from a T to G substitution at nucleotide position 2528. The leucine at codon 843 is replaced by arginine, an amino acid with dissimilar properties. This amino acid position is conserved. In addition, this alteration is predicted to be deleterious by in silico analysis. Since supporting evidence is limited at this time, the clinical significance of this alteration remains unclear.

NM_001365951.3(KIF1B):c.2666T>G (p.Leu889Arg)

Gene: KIF1B (kinesin family member 1B; plus strand). Cytogenetic location: 1p36.22.
Variant type: single nucleotide variant.
Coding change: c.2666T>G on transcript NM_001365951.3 (MANE Select); coding-DNA position 2666, T replaced by G.
Protein change: p.Leu889Arg; replaces leucine 889 with arginine.
Molecular consequence: missense variant.
Genome position (GRCh38, 1-based): chr1:10,324,886, T>G. VCF-style: chr1-10324886-T-G. GRCh37 (hg19) VCF-style: chr1-10384944-T-G.
Other names: c.2666T>G, p.Leu889Arg (NM_001365952.1); c.2528T>G, p.Leu843Arg (NM_015074.3); short protein forms L889R, L843R.
Identifiers: ClinVar variation 2563625 (VCV002563625.2), dbSNP rs754465853, ClinGen allele CA338335837.
Genomic context (GRCh38, chr1:10,324,886, plus strand): 5'-AAAGCGAAACCACTGTGACTGGCAGCGATCCCTTCTATGATCGGTTCCACTGGTTCAAAC[T>G]TGTGGGGAGGTATGTGATGATTTTGTTGATGTCTTCTTTTAAAATAATGATTAGTTTTAA-3'
Protein context (NP_001352880.1, residues 879-899): PFYDRFHWFK[Leu889Arg]VGSSPIFHGC